The following is an entry in ClinVar:

ClinVar aggregate classification (germline): Uncertain significance (1 of 4 stars; one submission).

gnomAD v4.1: 1 of 1,582,672 alleles (0.000063%); no homozygotes.

Submission:

Labcorp Genetics (formerly Invitae), Labcorp
Classification: Uncertain significance. Last evaluated: 2024-11-19. Review status: criteria provided, single submitter. Criteria: Invitae Variant Classification Sherloc (09022015). Collection method: clinical testing. Allele origin: germline.
Comment: This sequence change replaces glycine, which is neutral and non-polar, with glutamic acid, which is acidic and polar, at codon 578 of the ACAN protein (p.Gly578Glu). This variant is not present in population databases (gnomAD no frequency). This variant has not been reported in the literature in individuals affected with ACAN-related conditions. Experimental studies and prediction algorithms are not available or were not evaluated, and the functional significance of this variant is currently unknown. In summary, the available evidence is currently insufficient to determine the role of this variant in disease. Therefore, it has been classified as a Variant of Uncertain Significance.

NM_001369268.1(ACAN):c.1733G>A (p.Gly578Glu)

Gene: ACAN (aggrecan; plus strand). Cytogenetic location: 15q26.1.
Variant type: single nucleotide variant.
Coding change: c.1733G>A on transcript NM_001369268.1 (MANE Select); coding-DNA position 1733, G replaced by A.
Protein change: p.Gly578Glu; replaces glycine 578 with glutamic acid.
Molecular consequence: missense variant.
Genome position (GRCh38, 1-based): chr15:88,849,438, G>A. VCF-style: chr15-88849438-G-A. GRCh37 (hg19) VCF-style: chr15-89392669-G-A.
Other names: c.1733G>A, p.Gly578Glu (NM_001135.4, NM_001411096.1, NM_001411097.1 and 1 more transcripts); short protein forms G578E.
Identifiers: ClinVar variation 3725562 (VCV003725562.2).